The following is an entry in ClinVar:

NM_006017.3(PROM1):c.1023A>G (p.Glu341=)

Gene: PROM1 (prominin 1; minus strand). Cytogenetic location: 4p15.32.
Variant type: single nucleotide variant.
Coding change: c.1023A>G on transcript NM_006017.3 (MANE Select); coding-DNA position 1023, A replaced by G.
Protein change: p.Glu341=; no amino-acid change (glutamic acid 341 retained).
Molecular consequence: synonymous variant. On other transcripts: non-coding transcript variant (2).
Genome position (GRCh38, 1-based): chr4:16,016,220, T>C on the plus strand (A>G on the coding strand, the complement: PROM1 is on the minus strand). VCF-style: chr4-16016220-T-C. GRCh37 (hg19) VCF-style: chr4-16017843-T-C.
Other names: c.996A>G, p.Glu332= (NM_001145847.2, NM_001145848.2, NM_001145851.2 and 9 more transcripts); c.1023A>G, p.Glu341= (NM_001145849.2, NM_001145850.2); c.912A>G, p.Glu304= (NM_001441174.1); c.657A>G, p.Glu219= (NM_001441179.1).
Identifiers: ClinVar variation 4987853 (VCV004987853.1).
Genomic context (GRCh38, chr4:16,016,220, plus strand): 5'-GCATACCTGTTGGACCAGGCCATCCAAATCTGTCCTAAGAACGTTATTAACGTTGTCAAG[T>C]TCTGCATCCACGGGTGGAAGCTGAAAATTTATAAAACAAAATATAAGACAAGGTTGTTAC-3'
Protein context (NP_006008.1, residues 331-351): ELRQLPPVDA[Glu341=]LDNVNNVLRT

ClinVar aggregate classification (germline): Likely benign (1 of 4 stars; one submission).

Conditions:
PROM1-related disorder. Also called: PROM1-related condition; PROM1-related disorders.

gnomAD v4.1: 2 of 1,553,448 alleles (0.00013%); highest among the groups gnomAD compares: Admixed American, 0.0039%; no homozygotes.

Submission:

PreventionGenetics, part of Exact Sciences
Classification: Likely benign for PROM1-related condition. Last evaluated: 2024-11-27. Review status: criteria provided, single submitter. Criteria: ACMG Guidelines, 2015. Collection method: clinical testing. Allele origin: germline.
Comment: This variant is classified as likely benign based on ACMG/AMP sequence variant interpretation guidelines (Richards et al. 2015 PMID: 25741868, with internal and published modifications).